The following is an entry in ClinVar:

ClinVar aggregate classification (germline): Pathogenic/Likely pathogenic. Review status: criteria provided, multiple submitters, no conflicts (2 of 4 stars). 2 submissions from 2 submitters: Pathogenic (1); Likely pathogenic (1). Last evaluated 2026-01-19.

Conditions:
Anauxetic dysplasia. Identifiers: Orphanet 93347, MedGen C1846796, MONDO:0011773.
Metaphyseal chondrodysplasia, McKusick type (CHH). Also called: Cartilage-hair hypoplasia; Cartilage-Hair Hypoplasia (CHH). Identifiers: Orphanet 175, MedGen C0220748, MONDO:0009595, OMIM 250250.

Submissions (2):

Labcorp Genetics (formerly Invitae), Labcorp
Classification: Pathogenic for Anauxetic dysplasia. Last evaluated: 2026-01-19. Review status: criteria provided, single submitter. Criteria: Invitae Variant Classification Sherloc (09022015). Collection method: clinical testing. Allele origin: germline.
Comment: This variant occurs in the RMRP gene, which encodes an RNA molecule that does not result in a protein product. This variant is not present in population databases (gnomAD no frequency). While this particular variant has not been reported in the literature, it is located in the promoter region between the TATA box and the transcription initiation site, and other insertions and duplications immediately upstream of the coding sequence have been reported in individuals affected with cartilage-hair hypoplasia-anauxetic dysplasia (CHH-AD) spectrum disorders (PMID: 16244706, 11207361, 12107819). While functional studies for this variant have not been reported, experimental analyses using patient derived cells, as well as in vitro transfection studies, have shown that promoter insertions result in silencing of RMRP transcription and reduced expression of the gene product (PMID: 11207361, 16254002). For these reasons, this variant has been classified as Pathogenic.

Natera, Inc.
Classification: Likely pathogenic for Cartilage-hair hypoplasia. Last evaluated: 2025-01-23. Review status: criteria provided, single submitter. Criteria: Natera Variant Classification Schema (03/2026). Collection method: clinical testing. Allele origin: germline.
Comment: The n.-6_-5insAATATACTACTCTGTGAAGCTGAG variant in RMRP is an insertion affecting the RMRP promoter region between the TATA box and the transcription initiation site. Other duplications and insertions just upstream of the transcription initiation site have been reported in individuals affected with cartilage-hair hypoplasia (PMID: 11207361, 17937437). This variant is rare in the general population with a frequency below the threshold expected for the associated phenotype(s). Given the available evidence, this variant is classified as Likely pathogenic.

Literature cited by the submitters: PubMed 16244706 (cited by Labcorp Genetics (formerly Invitae), Labcorp); PubMed 11207361 (cited by Labcorp Genetics (formerly Invitae), Labcorp and Natera, Inc.); PubMed 12107819 (cited by Labcorp Genetics (formerly Invitae), Labcorp); PubMed 16254002 (cited by Labcorp Genetics (formerly Invitae), Labcorp); PubMed 17937437 (cited by Natera, Inc.).

NR_003051.3(RMRP):n.-6_-5insAATATACTACTCTGTGAAGCTGAG

Gene: RMRP (RNA component of mitochondrial RNA processing endoribonuclease; minus strand). Cytogenetic location: 9p13.3.
Variant type: Insertion.
Genome position: GRCh38 VCF-style: chr9-35658023-C-CCTCAGCTTCACAGAGTAGTATATT. GRCh37 (hg19) VCF-style: chr9-35658020-C-CCTCAGCTTCACAGAGTAGTATATT.
Identifiers: ClinVar variation 4735785 (VCV004735785.1).
Genomic context (GRCh38, chr9:35,658,023, plus strand): 5'-GGGGAGGAACAGAGTCCTCAGTGTGTAGCCTAGGATACAGGCCTTCAGCACGAACCACGT[C>CCTCAGCTTCACAGAGTAGTATATT]CTCAGCTTCACAGAGTAGTATTTTATAGCCCTAAAGAAATTGTGTTTTATGATTAGGGTG-3'